The following is an entry in ClinVar:

ClinVar aggregate classification (germline): Uncertain significance (1 of 4 stars; one submission).

Conditions:
Charcot-Marie-Tooth disease type 4. Also called: Charcot-Marie-Tooth disease, type IV; Charcot-Marie-Tooth, Type 4. Identifiers: Orphanet 64749, MedGen C4082197, MONDO:0018995.

Submission:

Labcorp Genetics (formerly Invitae), Labcorp
Classification: Uncertain significance for Charcot-Marie-Tooth disease type 4. Last evaluated: 2020-01-23. Review status: criteria provided, single submitter. Criteria: Invitae Variant Classification Sherloc (09022015). Collection method: clinical testing. Allele origin: germline.
Comment: This variant is not present in population databases (ExAC no frequency). In summary, the available evidence is currently insufficient to determine the role of this variant in disease. Therefore, it has been classified as a Variant of Uncertain Significance. Algorithms developed to predict the effect of missense changes on protein structure and function (SIFT, PolyPhen-2, Align-GVGD) all suggest that this variant is likely to be disruptive, but these predictions have not been confirmed by published functional studies and their clinical significance is uncertain. This variant has not been reported in the literature in individuals with SH3TC2-related conditions. This sequence change replaces glycine with serine at codon 228 of the SH3TC2 protein (p.Gly228Ser). The glycine residue is highly conserved and there is a small physicochemical difference between glycine and serine.

NM_024577.4(SH3TC2):c.682G>A (p.Gly228Ser)

Gene: SH3TC2 (SH3 domain and tetratricopeptide repeats 2; minus strand). Cytogenetic location: 5q32.
Variant type: single nucleotide variant.
Coding change: c.682G>A on transcript NM_024577.4 (MANE Select); coding-DNA position 682, G replaced by A.
Protein change: p.Gly228Ser; replaces glycine 228 with serine.
Molecular consequence: missense variant.
Genome position (GRCh38, 1-based): chr5:149,041,465, C>T on the plus strand (G>A on the coding strand, the complement: SH3TC2 is on the minus strand). VCF-style: chr5-149041465-C-T. GRCh37 (hg19) VCF-style: chr5-148421028-C-T.
Other names: short protein forms G228S.
Identifiers: ClinVar variation 1051855 (VCV001051855.9), dbSNP rs751022040, ClinGen allele CA361674328.